The following is an entry in ClinVar:

ClinVar aggregate classification (germline): Conflicting classifications of pathogenicity. Review status: criteria provided, conflicting classifications (1 of 4 stars). 8 submissions from 8 submitters: Uncertain significance (7); Benign (1). Last evaluated 2026-01-28.

Conditions:
Lynch syndrome. Identifiers: Orphanet 144, MedGen C4552100, MONDO:0005835. Disease mechanism: loss of function.
Lynch syndrome 5 (LYNCH5). Also called: Hereditary non-polyposis colorectal cancer, type 5; Colorectal cancer, hereditary nonpolyposis, type 5. Identifiers: Orphanet 144, MedGen C1833477, MONDO:0013710, OMIM 614350. Disease mechanism: loss of function.
Mismatch repair cancer syndrome 3. Identifiers: MedGen C5436807, MONDO:0030841, OMIM 619097.
Endometrial carcinoma. Also called: Endometrial carcinoma, somatic. Identifiers: MedGen C0476089, MONDO:0002447, OMIM 608089, HP:0012114.
Hereditary nonpolyposis colorectal neoplasms. Identifiers: MedGen C0009405, MeSH D003123.
Hereditary cancer-predisposing syndrome. Also called: Tumor predisposition; Hereditary Cancer Syndrome; Hereditary neoplastic syndrome; Neoplastic Syndromes, Hereditary. Identifiers: Orphanet 140162, MedGen C0027672, MeSH D009386, MONDO:0015356.

Allele frequency attached by ClinVar (database versions not stated): gnomAD exomes below 0.00001; TOPMed below 0.00001; gnomAD 0.00001.
gnomAD v4.1: 4 of 1,613,140 alleles (0.00025%); highest among the groups gnomAD compares: Non-Finnish European, 0.00034%; no homozygotes.

Submissions (8):

Labcorp Genetics (formerly Invitae), Labcorp
Classification: Benign for Hereditary nonpolyposis colorectal neoplasms. Last evaluated: 2026-01-28. Review status: criteria provided, single submitter. Criteria: Invitae Variant Classification Sherloc (09022015). Collection method: clinical testing. Allele origin: germline.

Ambry Genetics
Classification: Uncertain significance for Hereditary cancer-predisposing syndrome. Last evaluated: 2025-11-26. Review status: criteria provided, single submitter. Criteria: Ambry Variant Classification Scheme 2023. Collection method: clinical testing. Allele origin: germline.

Fulgent Genetics
Classification: Uncertain significance for Endometrial carcinoma; Lynch syndrome 5; Mismatch repair cancer syndrome 3. Last evaluated: 2024-03-12. Review status: criteria provided, single submitter. Criteria: ACMG Guidelines, 2015. Collection method: clinical testing. Allele origin: germline.

All of Us Research Program, National Institutes of Health
Classification: Uncertain significance for Lynch syndrome. Last evaluated: 2023-12-13. Review status: criteria provided, single submitter. Criteria: ACMG Guidelines, 2015. Collection method: clinical testing. Allele origin: germline. Inheritance: Autosomal dominant inheritance. Observed: 2 variant alleles, 2 heterozygotes.
Comment: This missense variant replaces isoleucine with valine at codon 843 of the MSH6 protein. Computational prediction suggests that this variant may not impact protein structure and function (internally defined REVEL score threshold <= 0.5, PMID: 27666373). To our knowledge, functional studies have not been reported for this variant. This variant has not been reported in individuals affected with MSH6-related disorders in the literature. This variant has not been identified in the general population by the Genome Aggregation Database (gnomAD). The available evidence is insufficient to determine the role of this variant in disease conclusively. Therefore, this variant is classified as a Variant of Uncertain Significance.

This study involves interpretation of variants in research participants for the purpose of population health screening. Participant phenotype was not available at the time of variant classification. Additional details can be found in publication PMID: 35346344, PMCID: PMC8962531

Baylor Genetics
Classification: Uncertain significance for Endometrial carcinoma. Last evaluated: 2023-05-26. Review status: criteria provided, single submitter. Criteria: ACMG Guidelines, 2015. Collection method: clinical testing. Allele origin: unknown.

Color Diagnostics, LLC DBA Color Health
Classification: Uncertain significance for Hereditary cancer-predisposing syndrome. Last evaluated: 2023-02-27. Review status: criteria provided, single submitter. Criteria: ACMG Guidelines, 2015. Collection method: clinical testing. Allele origin: germline.
Comment: This missense variant replaces isoleucine with valine at codon 843 of the MSH6 protein. Computational prediction suggests that this variant may not impact protein structure and function (internally defined REVEL score threshold <= 0.5, PMID: 27666373). To our knowledge, functional studies have not been reported for this variant. This variant has not been reported in individuals affected with MSH6-related disorders in the literature. This variant has not been identified in the general population by the Genome Aggregation Database (gnomAD). The available evidence is insufficient to determine the role of this variant in disease conclusively. Therefore, this variant is classified as a Variant of Uncertain Significance.

GeneDx
Classification: Uncertain significance. Last evaluated: 2020-10-20. Review status: criteria provided, single submitter. Criteria: GeneDx Variant Classification Process June 2021. Collection method: clinical testing. Allele origin: germline. Affected: yes.
Comment: Not observed in large population cohorts (Lek et al., 2016); In silico analysis supports that this missense variant does not alter protein structure/function; Has not been previously published as pathogenic or benign to our knowledge

Neuberg Centre For Genomic Medicine, NCGM
Classification: Uncertain significance for Lynch syndrome 5. Review status: criteria provided, single submitter. Criteria: ACMG Guidelines, 2015. Collection method: clinical testing. Allele origin: germline. Inheritance: Autosomal dominant inheritance. Affected: yes.
Comment: The observed missense variant c.2527A>G (p.Ile843Val) in MSH6 gene has not been reported previously as a pathogenic variant nor as a benign variant, to our knowledge. The p.Ile843Val variant is absent in gnomAD Exomes database. This variant has been reported to the ClinVar database as Uncertain Significance (multiple submissions). The amino acid change p.Ile843Val in MSH6 is predicted as conserved by GERP++ and PhyloP across 100 vertebrates. The amino acid Ile at position 843 is changed to a Val changing protein sequence and it might alter its composition and physico-chemical properties. For these reasons, this variant has been classified as a Variant of Uncertain Significance (VUS).

NM_000179.3(MSH6):c.2527A>G (p.Ile843Val)

Gene: MSH6 (mutS homolog 6; plus strand). Cytogenetic location: 2p16.3.
Variant type: single nucleotide variant.
Coding change: c.2527A>G on transcript NM_000179.3 (MANE Select); coding-DNA position 2527, A replaced by G.
Protein change: p.Ile843Val; replaces isoleucine 843 with valine.
Molecular consequence: missense variant.
Genome position (GRCh38, 1-based): chr2:47,800,510, A>G. VCF-style: chr2-47800510-A-G. GRCh37 (hg19) VCF-style: chr2-48027649-A-G.
Other names: c.2137A>G, p.Ile713Val (NM_001281492.2); c.1621A>G, p.Ile541Val (NM_001281493.2, NM_001281494.2); short protein forms I843V, I713V, I541V.
Identifiers: ClinVar variation 410479 (VCV000410479.27), dbSNP rs1060502922, ClinGen allele CA16611151.